The following is an entry in ClinVar:

NM_002734.5(PRKAR1A):c.1111C>G (p.Gln371Glu)

Gene: PRKAR1A (protein kinase cAMP-dependent type I regulatory subunit alpha; plus strand). Cytogenetic location: 17q24.2.
Variant type: single nucleotide variant.
Coding change: c.1111C>G on transcript NM_002734.5 (MANE Select); coding-DNA position 1111, C replaced by G.
Protein change: p.Gln371Glu; replaces glutamine 371 with glutamic acid.
Molecular consequence: missense variant. On other transcripts: intron variant (1).
Genome position (GRCh38, 1-based): chr17:68,530,414, C>G. VCF-style: chr17-68530414-C-G. GRCh37 (hg19) VCF-style: chr17-66526555-C-G.
Other names: c.1111C>G, p.Gln371Glu (NM_001276289.2, NM_001278433.2, NM_001369389.1 and 3 more transcripts); c.973+413C>G (NM_001276290.1); short protein forms Q371E.
Identifiers: ClinVar variation 5027287 (VCV005027287.1).

ClinVar aggregate classification (germline): Uncertain significance (1 of 4 stars; one submission).

Conditions:
Hereditary cancer-predisposing syndrome. Also called: Neoplastic Syndromes, Hereditary; Tumor predisposition; Hereditary neoplastic syndrome; Hereditary Cancer Syndrome. Identifiers: Orphanet 140162, MedGen C0027672, MeSH D009386, MONDO:0015356.

Submission:

Ambry Genetics
Classification: Uncertain significance for Hereditary cancer-predisposing syndrome. Last evaluated: 2026-07-07. Review status: criteria provided, single submitter. Criteria: Ambry Variant Classification Scheme 2023. Collection method: clinical testing. Allele origin: germline.
Comment: The p.Q371E variant (also known as c.1111C>G), located in coding exon 10 of the PRKAR1A gene, results from a C to G substitution at nucleotide position 1111. The glutamine at codon 371 is replaced by glutamic acid, an amino acid with highly similar properties. This amino acid position is conserved. In addition, the in silico prediction for this alteration is inconclusive. Based on the available evidence, the clinical significance of this variant remains unclear.